The following is an entry in ClinVar:

NM_001243133.2(NLRP3):c.2884C>T (p.Leu962Phe)

Gene: NLRP3 (NLR family pyrin domain containing 3; plus strand). Cytogenetic location: 1q44.
Variant type: single nucleotide variant.
Coding change: c.2884C>T on transcript NM_001243133.2 (MANE Select); coding-DNA position 2884, C replaced by T.
Protein change: p.Leu962Phe; replaces leucine 962 with phenylalanine.
Molecular consequence: missense variant.
Genome position (GRCh38, 1-based): chr1:247,444,700, C>T. VCF-style: chr1-247444700-C-T. GRCh37 (hg19) VCF-style: chr1-247608002-C-T.
Other names: c.2884C>T, p.Leu962Phe (NM_001079821.3); c.2713C>T, p.Leu905Phe (NM_001127461.3, NM_001127462.3); c.2890C>T, p.Leu964Phe (NM_004895.5); c.2542C>T, p.Leu848Phe (NM_183395.3); short protein forms L848F, L905F, L962F, L964F.
Identifiers: ClinVar variation 1719618 (VCV001719618.5), dbSNP rs1296620309, ClinGen allele CA345565587.

ClinVar aggregate classification (germline): Uncertain significance (1 of 4 stars; one submission).

Conditions:
Cryopyrin associated periodic syndrome (CAPS). Identifiers: Orphanet 208650, MedGen C2316212, MONDO:0016168.

Submission:

Labcorp Genetics (formerly Invitae), Labcorp
Classification: Uncertain significance for Cryopyrin associated periodic syndrome. Last evaluated: 2024-10-16. Review status: criteria provided, single submitter. Criteria: Invitae Variant Classification Sherloc (09022015). Collection method: clinical testing. Allele origin: germline.
Comment: This sequence change replaces leucine, which is neutral and non-polar, with phenylalanine, which is neutral and non-polar, at codon 964 of the NLRP3 protein (p.Leu964Phe). This variant is not present in population databases (gnomAD no frequency). This variant has not been reported in the literature in individuals affected with NLRP3-related conditions. ClinVar contains an entry for this variant (Variation ID: 1719618). Invitae Evidence Modeling of protein sequence and biophysical properties (such as structural, functional, and spatial information, amino acid conservation, physicochemical variation, residue mobility, and thermodynamic stability) indicates that this missense variant is not expected to disrupt NLRP3 protein function with a negative predictive value of 95%. In summary, the available evidence is currently insufficient to determine the role of this variant in disease. Therefore, it has been classified as a Variant of Uncertain Significance.